The following is an entry in ClinVar:

NM_000038.6(APC):c.4410T>G (p.Ala1470=)

Gene: APC (APC regulator of WNT signaling pathway; plus strand). Cytogenetic location: 5q22.2.
Variant type: single nucleotide variant.
Coding change: c.4410T>G on transcript NM_000038.6 (MANE Select); coding-DNA position 4410, T replaced by G.
Protein change: p.Ala1470=; no amino-acid change (alanine 1470 retained).
Molecular consequence: synonymous variant.
Genome position (GRCh38, 1-based): chr5:112,840,004, T>G. VCF-style: chr5-112840004-T-G. GRCh37 (hg19) VCF-style: chr5-112175701-T-G.
Other names: c.4410T>G, p.Ala1470= (NM_001127510.3, NM_001354895.2); c.4356T>G, p.Ala1452= (NM_001127511.3); c.4464T>G, p.Ala1488= (NM_001354896.2); c.4440T>G, p.Ala1480= (NM_001354897.2); c.4335T>G, p.Ala1445= (NM_001354898.2); c.4326T>G, p.Ala1442= (NM_001354899.2); c.4287T>G, p.Ala1429= (NM_001354900.2); c.4233T>G, p.Ala1411= (NM_001354901.2); and 5 more.
Identifiers: ClinVar variation 392294 (VCV000392294.1), dbSNP rs1057524431, ClinGen allele CA16605173.

ClinVar aggregate classification (germline): Likely benign (1 of 4 stars; one submission).

Submission:

GeneDx
Classification: Likely benign. Last evaluated: 2016-12-27. Review status: criteria provided, single submitter. Criteria: GeneDx Variant Classification (06012015). Collection method: clinical testing. Allele origin: germline. Affected: yes.
Comment: This variant is considered likely benign or benign based on one or more of the following criteria: it is a conservative change, it occurs at a poorly conserved position in the protein, it is predicted to be benign by multiple in silico algorithms, and/or has population frequency not consistent with disease.